The following is an entry in ClinVar:

ClinVar aggregate classification (germline): Conflicting classifications of pathogenicity. Review status: criteria provided, conflicting classifications (1 of 4 stars). 15 submissions from 12 submitters: Uncertain significance (2); Benign (3); Likely benign (5). 5 of the submissions do not count toward it. Last evaluated 2025-12-08.

Conditions:
Early onset Alzheimer disease with behavioral disturbance. Identifiers: MedGen C3697680.
Autosomal dominant Parkinson disease 8. Also called: LRRK2-Related Parkinson Disease; Parkinson disease 8; Parkinson disease 8, susceptibility to. Identifiers: Orphanet 411602, MedGen C1846862, MONDO:0011764, OMIM 607060.
Klippel-Feil syndrome 1, autosomal dominant (KFS1). Also called: CERVICAL VERTEBRAL FUSION, AUTOSOMAL DOMINANT. Identifiers: Orphanet 2345, MedGen C1861689, MONDO:0007306, OMIM 118100.
Spinocerebellar atrophy. Also called: Spinocerebellar ataxia. Identifiers: MedGen C0087012, MeSH D020754, HP:0007263.
Parkinson disease (PD). Identifiers: MedGen C0030567, MeSH D010300, MONDO:0005180.

Allele frequency attached by ClinVar (database versions not stated): ESP Exome Variant Server 0.00092; TOPMed 0.00187; 1000 Genomes Project 30x 0.00562; 1000 Genomes Project 0.00639.
gnomAD v4.1: 1,559 of 1,611,674 alleles (0.097%); highest among the groups gnomAD compares: East Asian, 1%; 3 homozygotes.

Submissions (15):

Labcorp Genetics (formerly Invitae), Labcorp
Classification: Benign for Autosomal dominant Parkinson disease 8. Last evaluated: 2025-12-08. Review status: criteria provided, single submitter. Criteria: Invitae Variant Classification Sherloc (09022015). Collection method: clinical testing. Allele origin: germline.

Mayo Clinic Laboratories, Mayo Clinic
Classification: Likely benign. Last evaluated: 2025-09-09. Review status: criteria provided, single submitter. Criteria: ACMG Guidelines, 2015. Collection method: clinical testing. Allele origin: germline. Observed: 1 variant allele.
Comment: BS1, BS3_supporting

Blueprint Genetics
Classification: Likely benign. Last evaluated: 2024-11-06. Review status: criteria provided, single submitter. Criteria: ACMG Guidelines, 2015. Collection method: clinical testing. Allele origin: germline.

CeGaT Center for Human Genetics Tuebingen
Classification: Likely benign. Last evaluated: 2024-11-01. Review status: criteria provided, single submitter. Criteria: CeGaT Center For Human Genetics Tuebingen Variant Classification Criteria Version 2. Collection method: clinical testing. Allele origin: germline. Affected: yes. Observed: 1 variant allele.
Comment: LRRK2: BS1

Genomic Medicine Center of Excellence, King Faisal Specialist Hospital and Research Centre
Classification: Uncertain significance for Autosomal dominant Parkinson disease 8. Last evaluated: 2024-03-26. Review status: criteria provided, single submitter. Criteria: ACMG Guidelines, 2015. Collection method: clinical testing. Allele origin: germline.

Mendelics
Classification: Likely benign for Autosomal dominant Parkinson disease 8. Last evaluated: 2024-01-08. Review status: criteria provided, single submitter. Criteria: Mendelics Assertion Criteria 2017. Collection method: clinical testing. Allele origin: unknown.

Molecular Genetics, Royal Melbourne Hospital
Classification: Benign for Parkinson disease. Last evaluated: 2023-05-04. Review status: criteria provided, single submitter. Criteria: ACMG Guidelines, 2015. Collection method: clinical testing. Allele origin: germline. Affected: yes.
Comment: East Asian population allele frequency is 1.844% (rs33949390, 413/19,932 alleles, 3 homozygotes in gnomAD v2.1). Based on the classification scheme RMH Modified ACMG/AMP Guidelines v1.5.1, this variant is classified as BENIGN. Following criteria are met: BA1

Department of Neurology, Qilu Hospital of Shandong University
Classification: Uncertain significance for Autosomal dominant Parkinson disease 8. Last evaluated: 2022-01-01. Review status: criteria provided, single submitter. Criteria: ACMG2015. Collection method: clinical testing. Allele origin: germline. Affected: yes. Observed: 3 variant alleles.

GeneDx
Classification: Benign. Last evaluated: 2021-09-01. Review status: criteria provided, single submitter. Criteria: GeneDx Variant Classification Process June 2021. Collection method: clinical testing. Allele origin: germline. Affected: yes.
Comment: This variant is associated with the following publications: (PMID: 27812003, 25511328, 27133195, 24997548, 29209554, 29029963, 30954774, 30917570, 24095219, 26311745, 26930193, 18412265, 25761573, 22575234, 18716801, 20018409, 19672984, 24488318, 21885347, 20571044, 20186690, 23421816, 19699188, 25243190, 20642453)

Illumina Laboratory Services, Illumina
Classification: Likely benign for Autosomal dominant Parkinson disease 8. Last evaluated: 2017-04-27. Review status: criteria provided, single submitter. Criteria: ICSL Variant Classification Criteria 13 December 2019. Collection method: clinical testing. Allele origin: germline.
Comment: This variant was observed as part of a predisposition screen in an ostensibly healthy population. A literature search was performed for the gene, cDNA change, and amino acid change (where applicable). Publications were found based on this search. The evidence from the literature, in combination with allele frequency data from public databases where available, was sufficient to determine this variant is unlikely to cause disease. Therefore, this variant is classified as likely benign.

Codex Genetics Limited
Classification: Pathogenic for Parkinson disease 8, autosomal dominant. Last evaluated: 2019-02-28. Review status: no assertion criteria provided. Collection method: provider interpretation. Allele origin: germline. Affected: yes. Not counted in ClinVar's aggregate classification.

Codex Genetics Limited
Classification: Likely pathogenic for Early onset Alzheimer disease with behavioral disturbance. Last evaluated: 2019-02-28. Review status: no assertion criteria provided. Collection method: provider interpretation. Allele origin: germline. Affected: yes. Not counted in ClinVar's aggregate classification.

Codex Genetics Limited
Classification: Pathogenic for Spinocerebellar atrophy. Last evaluated: 2019-02-28. Review status: no assertion criteria provided. Collection method: provider interpretation. Allele origin: germline. Affected: yes. Not counted in ClinVar's aggregate classification.

Codex Genetics Limited
Classification: Pathogenic for Parkinson disease 8, autosomal dominant; Klippel-Feil syndrome 1, autosomal dominant. Last evaluated: 2019-02-28. Review status: no assertion criteria provided. Collection method: provider interpretation. Allele origin: germline. Affected: yes. Not counted in ClinVar's aggregate classification.

GeneReviews
No classification provided. Condition: Autosomal dominant Parkinson disease 8. Review status: no classification provided. Collection method: literature only. Allele origin: unknown. Not counted in ClinVar's aggregate classification.

Literature cited by the submitters: PubMed 18412265 (cited by 5 submitters); PubMed 18688798 (cited by Mayo Clinic Laboratories, Mayo Clinic and Illumina Laboratory Services, Illumina); PubMed 18716801 (cited by 3 submitters); PubMed 18781329 (cited by Mayo Clinic Laboratories, Mayo Clinic and Illumina Laboratory Services, Illumina); PubMed 19699188 (cited by 3 submitters); PubMed 20642453 (cited by 3 submitters); PubMed 21885347 (cited by 3 submitters); PubMed 25243190 (cited by 3 submitters); PubMed 26930193 (cited by 3 submitters); PubMed 35950872 (cited by Mayo Clinic Laboratories, Mayo Clinic); PubMed 36879366 (cited by Mayo Clinic Laboratories, Mayo Clinic and Department of Neurology, Qilu Hospital of Shandong University); PubMed 19672984 (cited by Department of Neurology, Qilu Hospital of Shandong University); PubMed 20018409 (cited by Department of Neurology, Qilu Hospital of Shandong University); PubMed 20186690 (cited by Department of Neurology, Qilu Hospital of Shandong University); PubMed 20571044 (cited by Department of Neurology, Qilu Hospital of Shandong University); PubMed 22575234 (cited by Department of Neurology, Qilu Hospital of Shandong University); PubMed 23421816 (cited by Department of Neurology, Qilu Hospital of Shandong University); PubMed 24095219 (cited by Department of Neurology, Qilu Hospital of Shandong University); PubMed 24488318 (cited by Department of Neurology, Qilu Hospital of Shandong University); PubMed 24997548 (cited by Department of Neurology, Qilu Hospital of Shandong University); PubMed 25511328 (cited by Department of Neurology, Qilu Hospital of Shandong University); PubMed 25761573 (cited by Department of Neurology, Qilu Hospital of Shandong University); PubMed 26311745 (cited by Department of Neurology, Qilu Hospital of Shandong University); PubMed 27133195 (cited by Department of Neurology, Qilu Hospital of Shandong University); PubMed 27812003 (cited by Department of Neurology, Qilu Hospital of Shandong University); PubMed 29029963 (cited by Department of Neurology, Qilu Hospital of Shandong University); PubMed 29209554 (cited by Department of Neurology, Qilu Hospital of Shandong University); PubMed 30917570 (cited by Department of Neurology, Qilu Hospital of Shandong University); PubMed 30954774 (cited by Department of Neurology, Qilu Hospital of Shandong University); PubMed 20301387 (cited by Codex Genetics Limited and GeneReviews); NCBI Bookshelf NBK1208 (cited by GeneReviews).

NM_198578.4(LRRK2):c.4883G>C (p.Arg1628Pro)

Gene: LRRK2 (leucine rich repeat kinase 2; plus strand). Cytogenetic location: 12q12.
Variant type: single nucleotide variant.
Coding change: c.4883G>C on transcript NM_198578.4 (MANE Select); coding-DNA position 4883, G replaced by C.
Protein change: p.Arg1628Pro; replaces arginine 1628 with proline.
Molecular consequence: missense variant.
Genome position (GRCh38, 1-based): chr12:40,320,043, G>C. VCF-style: chr12-40320043-G-C. GRCh37 (hg19) VCF-style: chr12-40713845-G-C.
Other names: short protein forms R1628P.
Identifiers: ClinVar variation 39198 (VCV000039198.46), dbSNP rs33949390, ClinGen allele CA343606.